The following is an entry in ClinVar:

NM_003579.4(RAD54L):c.1660A>G (p.Lys554Glu)

Gene: RAD54L (RAD54 like; plus strand). Cytogenetic location: 1p34.1.
Variant type: single nucleotide variant.
Coding change: c.1660A>G on transcript NM_003579.4 (MANE Select); coding-DNA position 1660, A replaced by G.
Protein change: p.Lys554Glu; replaces lysine 554 with glutamic acid.
Molecular consequence: missense variant.
Genome position (GRCh38, 1-based): chr1:46,274,187, A>G. VCF-style: chr1-46274187-A-G. GRCh37 (hg19) VCF-style: chr1-46739859-A-G.
Other names: c.1660A>G, p.Lys554Glu (NM_001142548.2); c.1120A>G, p.Lys374Glu (NM_001370766.1); short protein forms K374E, K554E.
Identifiers: ClinVar variation 1777476 (VCV001777476.2), dbSNP rs1660524854, ClinGen allele CA340183563.

ClinVar aggregate classification (germline): Uncertain significance (1 of 4 stars; one submission).

Allele frequency attached by ClinVar (database versions not stated): gnomAD exomes below 0.00001; TOPMed below 0.00001.
gnomAD v4.1: 4 of 1,613,862 alleles (0.00025%); highest among the groups gnomAD compares: Admixed American, 0.0017%; no homozygotes.

Submission:

Ambry Genetics
Classification: Uncertain significance. Last evaluated: 2021-06-30. Review status: criteria provided, single submitter. Criteria: Ambry Variant Classification Scheme 2023. Collection method: clinical testing. Allele origin: germline.
Comment: The p.K554E variant (also known as c.1660A>G), located in coding exon 15 of the RAD54L gene, results from an A to G substitution at nucleotide position 1660. The lysine at codon 554 is replaced by glutamic acid, an amino acid with similar properties. This amino acid position is conserved. In addition, the in silico prediction for this alteration is inconclusive. Since supporting evidence is limited at this time, the clinical significance of this alteration remains unclear.